The following is an entry in ClinVar:

ClinVar aggregate classification (germline): Uncertain significance (1 of 4 stars; one submission).

gnomAD v4.1: 2 of 1,614,138 alleles (0.00012%); highest among the groups gnomAD compares: Admixed American, 0.0017%; no homozygotes.

Submission:

Dasa
Classification: Uncertain significance. Last evaluated: 2025-11-25. Review status: criteria provided, single submitter. Criteria: DASA Assertion Criteria. Collection method: clinical testing. Allele origin: germline.
Comment: NM_017864.4(INTS8):c.2132G>A (p.Arg711Lys) is a missense variant that results in the substitution of arginine with lysine. This variant is rare in population databases. The currently available literature and clinical evidence are not sufficient to establish a definitive association between this variant and the reported condition. Therefore, this variant is classified as a variant of uncertain significance.

NM_017864.4(INTS8):c.2132G>A (p.Arg711Lys)

Gene: INTS8 (integrator complex subunit 8; plus strand). Cytogenetic location: 8q22.1.
Variant type: single nucleotide variant.
Coding change: c.2132G>A on transcript NM_017864.4 (MANE Select); coding-DNA position 2132, G replaced by A.
Protein change: p.Arg711Lys; replaces arginine 711 with lysine.
Molecular consequence: missense variant. On other transcripts: non-coding transcript variant (2).
Genome position (GRCh38, 1-based): chr8:94,865,561, G>A. VCF-style: chr8-94865561-G-A. GRCh37 (hg19) VCF-style: chr8-95877789-G-A.
Other names: short protein forms R711K.
Identifiers: ClinVar variation 5020787 (VCV005020787.1).
Genomic context (GRCh38, chr8:94,865,561, plus strand): 5'-TATAGCTTGGACAGCTTTTAGCAGCTACATGCAAAGAACTTCCAGGCCCTAAAGAAAGTA[G>A]ACGGACTGCCAAAGACCTTTGGGAAGTTGTTGTTCAAATCTGTAGTGTGTCCAGTCAGCA-3'
Protein context (NP_060334.2, residues 701-721): CKELPGPKES[Arg711Lys]RTAKDLWEVV